The following is an entry in ClinVar:

NM_003000.3(SDHB):c.188T>C (p.Val63Ala)

Gene: SDHB (succinate dehydrogenase complex iron sulfur subunit B; minus strand). Cytogenetic location: 1p36.13.
Variant type: single nucleotide variant.
Coding change: c.188T>C on transcript NM_003000.3 (MANE Select); coding-DNA position 188, T replaced by C.
Protein change: p.Val63Ala; replaces valine 63 with alanine.
Molecular consequence: missense variant.
Genome position (GRCh38, 1-based): chr1:17,044,773, A>G on the plus strand (T>C on the coding strand, the complement: SDHB is on the minus strand). VCF-style: chr1-17044773-A-G. GRCh37 (hg19) VCF-style: chr1-17371268-A-G.
Other names: short protein forms V63A.
Identifiers: ClinVar variation 459139 (VCV000459139.12), dbSNP rs1230335211, ClinGen allele CA338227730.

ClinVar aggregate classification (germline): Uncertain significance. Review status: criteria provided, multiple submitters, no conflicts (2 of 4 stars). 3 submissions from 3 submitters: Uncertain significance (2). 1 of the submissions does not count toward it. Last evaluated 2025-05-17.

Conditions:
Hereditary cancer-predisposing syndrome. Also called: Tumor predisposition; Hereditary neoplastic syndrome; Neoplastic Syndromes, Hereditary; Hereditary Cancer Syndrome. Identifiers: Orphanet 140162, MedGen C0027672, MeSH D009386, MONDO:0015356.
Pheochromocytoma. Also called: MAX-Related Hereditary Paraganglioma-Pheochromocytoma Syndrome. Identifiers: Orphanet 29072, MedGen C0031511, MONDO:0008233, OMIM 171300, HP:0002666.
Pheochromocytoma/paraganglioma syndrome 4. Also called: SDHB-Related Hereditary Paraganglioma-Pheochromocytoma Syndrome (Paragangliomas 4); CAROTID BODY TUMORS AND MULTIPLE EXTRAADRENAL PHEOCHROMOCYTOMAS; PARAGANGLIOMA, FAMILIAL MALIGNANT; PARAGANGLIOMAS, HEREDITARY EXTRAADRENAL; SDHB-Related Hereditary Paraganglioma-Pheochromocytoma Syndrome; PHEOCHROMOCYTOMA, FAMILIAL EXTRAADRENAL. Identifiers: Orphanet 29072, MedGen C1861848, MONDO:0007273, OMIM 115310.
Gastrointestinal stromal tumor. Also called: Gastrointestinal stroma tumor; Gastrointestinal stromal tumor, somatic. Identifiers: Orphanet 44890, MedGen C0238198, MeSH D046152, MONDO:0011719, OMIM 606764, HP:0100723.

Allele frequency attached by ClinVar (database versions not stated): gnomAD exomes below 0.00001.
gnomAD v4.1: 1 of 1,614,098 alleles (0.000062%); no homozygotes.

Submissions (3):

Ambry Genetics
Classification: Uncertain significance for Hereditary cancer-predisposing syndrome. Last evaluated: 2025-05-17. Review status: criteria provided, single submitter. Criteria: Ambry Variant Classification Scheme 2023. Collection method: clinical testing. Allele origin: germline.
Comment: The p.V63A variant (also known as c.188T>C), located in coding exon 2 of the SDHB gene, results from a T to C substitution at nucleotide position 188. The valine at codon 63 is replaced by alanine, an amino acid with similar properties. This amino acid position is not well conserved in available vertebrate species. In addition, the in silico prediction for this alteration is inconclusive. Since supporting evidence is limited at this time, the clinical significance of this alteration remains unclear.

Labcorp Genetics (formerly Invitae), Labcorp
Classification: Uncertain significance for Gastrointestinal stromal tumor; Pheochromocytoma/paraganglioma syndrome 4; Pheochromocytoma. Last evaluated: 2024-05-22. Review status: criteria provided, single submitter. Criteria: Invitae Variant Classification Sherloc (09022015). Collection method: clinical testing. Allele origin: germline.
Comment: This sequence change replaces valine, which is neutral and non-polar, with alanine, which is neutral and non-polar, at codon 63 of the SDHB protein (p.Val63Ala). This variant is present in population databases (no rsID available, gnomAD 0.0009%). This variant has not been reported in the literature in individuals affected with SDHB-related conditions. ClinVar contains an entry for this variant (Variation ID: 459139). Advanced modeling of protein sequence and biophysical properties (such as structural, functional, and spatial information, amino acid conservation, physicochemical variation, residue mobility, and thermodynamic stability) has been performed at Invitae for this missense variant, however the output from this modeling did not meet the statistical confidence thresholds required to predict the impact of this variant on SDHB protein function. In summary, the available evidence is currently insufficient to determine the role of this variant in disease. Therefore, it has been classified as a Variant of Uncertain Significance.

Department of Pathology and Laboratory Medicine, Sinai Health System
Classification: Uncertain significance. Review status: no assertion criteria provided. Collection method: clinical testing. Allele origin: unknown. Affected: yes. Study: The Canadian Open Genetics Repository (COGR). Not counted in ClinVar's aggregate classification.
Comment: The SDHB p.Val63Ala variant was not identified in the literature nor was it identified in COSMIC or LOVD 3.0. The variant was also identified in dbSNP (ID:rs1230335211) and ClinVar (classified as a VUS by Invitae for Gastrointestinal stroma tumor, Paragangliomas 4 and Pheochromocytoma). The variant was identified in control databases in 1 of 251344 chromosomes at a frequency of 0.000004 (Genome Aggregation Database Feb 27, 2017). The variant was observed in the following population: European (non-Finnish) in 1 of 113644 chromosomes (freq: 0.000009); it was not observed in the African, Latino, Ashkenazi Jewish, East Asian, European (Finnish), Other or South Asian populations. The variant occurs outside of the splicing consensus sequence and in silico or computational prediction software programs (SpliceSiteFinder, MaxEntScan, NNSPLICE, GeneSplicer) do not predict a difference in splicing. The p.Val63 residue is not conserved in mammals and computational analyses (PolyPhen-2, SIFT, AlignGVGD, BLOSUM, MutationTaster) provide inconsistent predictions regarding the impact to the protein; this information is not very predictive of pathogenicity. In summary, based on the above information the clinical significance of this variant cannot be determined with certainty at this time. This variant is classified as a variant of uncertain significance.